The following is an entry in ClinVar:

ClinVar aggregate classification (germline): Pathogenic. Review status: criteria provided, multiple submitters, no conflicts (2 of 4 stars). 19 submissions from 19 submitters: Pathogenic (16). 3 of the submissions do not count toward it. Last evaluated 2026-03-13.

Conditions:
Hereditary persistence of fetal hemoglobin. Identifiers: MedGen C0019025, MONDO:0020989, OMIM 141749.
METHEMOGLOBINEMIA, BETA TYPE. Also called: Methemoglobinemia, beta-globin type. Identifiers: MedGen C1840779, OMIM 617971.
Malaria, susceptibility to. Identifiers: Orphanet 673, MedGen C1970028, MONDO:0021024, OMIM 611162.
Dominant beta-thalassemia. Also called: Beta-thalassemia, dominant inclusion body type. Identifiers: Orphanet 231226, Orphanet 848, MedGen C1858990, MONDO:0011381, OMIM 603902.
Beta-thalassemia HBB/LCRB. Identifiers: MedGen CN322236, MONDO:0013517, OMIM 613985.
Erythrocytosis, familial, 6. Also called: ERYTHROCYTOSIS, BETA-GLOBIN TYPE; POLYCYTHEMIA, BETA-GLOBIN TYPE. Identifiers: MedGen C4693822, MONDO:0054801, OMIM 617980.
Hb SS disease (SCD). Also called: Hemoglobin SS; Sickle cell anemia; Sickle cell disease; HbS disease; Hemoglobin S Disease; Sickling disorder due to hemoglobin S. Identifiers: Orphanet 232, Orphanet 275752, MedGen C0002895, MONDO:0011382, OMIM 603903.
Heinz body anemia. Also called: Heinz body hemolytic anemia. Identifiers: Orphanet 178330, MedGen C0700299, MONDO:0007705, OMIM 140700, HP:0005511.
HBB-related disorder. Also called: HBB-related disorders; HBB-related condition. Identifiers: MedGen CN239378.
Beta zero thalassemia. Identifiers: MedGen C0271980.
beta Thalassemia (BTHAL). Also called: Cooley's anemia; Erythroblastic anemia; Mediterranean anemia. Identifiers: Orphanet 848, MedGen C0005283, MONDO:0019402. Disease mechanism: loss of function.

Allele frequency attached by ClinVar (database versions not stated): gnomAD 0.00002; gnomAD exomes 0.00002 and 0.00001; TOPMed 0.00002; ExAC 0.00002.

Submissions 1 to 9 of 19:

PreventionGenetics, part of Exact Sciences
Classification: Pathogenic for HBB-related condition. Last evaluated: 2026-03-13. Review status: criteria provided, single submitter. Criteria: ACMG Guidelines, 2015. Collection method: clinical testing. Allele origin: germline.
Comment: The HBB c.20delA variant is predicted to result in a frameshift and premature protein termination (p.Glu7Glyfs*13). This variant has been reported in the homozygous state or compound heterozygous state with a second disease-causing HBB variant in multiple individuals with beta-thalassemia intermedia and beta-thalassemia major (Gonzalez-Redondo et al. 1988. PubMed ID: 2458145; Bouhass et al. 1990. PubMed ID: 2393712; Vetter et al. 1997. PubMed ID: 9163586; Danjou et al. 2012. PubMed ID: 22271886; Gunes and Gozden 2021. PubMed ID: 34258108). This variant has also been reported in the heterozygous state in at least one individual with beta-thalassemia trait (Phylipsen et al. 2010. PubMed ID: 20854118). This variant is reported in 0.0062% of alleles in individuals of African descent in gnomAD and has also been observed at elevated frequencies in the Mediterranean region, especially in the Sardinian subpopulation (Rosatelli et al. 1992. PubMed ID: 1734721; Danjou et al. 2012. PubMed ID: 22271886). Frameshift variants in HBB are expected to be pathogenic. This variant is interpreted as pathogenic.

Dasa
Classification: Pathogenic. Last evaluated: 2026-01-21. Review status: criteria provided, single submitter. Criteria: DASA Assertion Criteria. Collection method: clinical testing. Allele origin: germline.
Comment: NM_000518.5(HBB):c.20del (p.Glu7Glyfs*13) introduces a premature termination codon predicted to result in loss of normal protein function. Loss-of-function is an established mechanism of disease for this gene. This variant has been recurrently observed in individuals with related phenotype (PMID: 17486495; PMID: 26956563). The variant is present at low frequency in population datasets. Based on the available data, this variant is classified as pathogenic.

Natera, Inc.
Classification: Pathogenic for Beta thalassemia. Last evaluated: 2025-10-29. Review status: criteria provided, single submitter. Criteria: Natera Variant Classification Schema (03/2026). Collection method: clinical testing. Allele origin: germline.
Comment: The c.20delA variant in HBB is a frameshift variant predicted to shift the reading frame beginning at codon 7 and leads to a stop codon 13 codons downstream. This variant is expected to result in nonsense mediated decay, truncation, or a dysfunctional protein product. This variant is rare in the general population with a frequency below the threshold expected for the associated phenotype(s). This variant has been observed in one or more individuals affected with the associated recessive disease, as either homozygous or compound heterozygous with a second variant (PMID: 19205970). Given the available evidence, this variant is classified as Pathogenic.

Variantyx, Inc.
Classification: Pathogenic for Beta-thalassemia HBB/LCRB. Last evaluated: 2025-10-28. Review status: criteria provided, single submitter. Criteria: Variantyx Assertion Criteria 2022. Collection method: clinical testing. Allele origin: germline. Inheritance: Autosomal recessive inheritance.
Comment: This is a frameshift variant in the HBB gene (OMIM: 141900). Pathogenic variants in this gene have been associated with autosomal recessive beta-thalassemia. This variant introduces a premature termination codon in exon 1 out of 3 and is expected to result in loss of function, which is a known disease mechanism for HBB in this disorder (PMID: 23637309, 6316272, 22271886) (PVS1). It has been identified in at least 20 compound heterozygous individuals reported in the published literature (PMID: 22271886) (PM3_Strong) and has a 0.0027% maximum allele frequency in non-founder control populations (PM2). Based on the current evidence, this variant is classified as pathogenic for autosomal recessive beta-thalassemia.

Quest Diagnostics Nichols Institute San Juan Capistrano
Classification: Pathogenic. Last evaluated: 2025-10-23. Review status: criteria provided, single submitter. Criteria: Quest Diagnostics criteria. Collection method: clinical testing. Allele origin: unknown.
Comment: The HBB c.20del (p.Glu7Glyfs*13) variant alters the translational reading frame of the HBB mRNA and causes the premature termination of HBB protein synthesis. This variant has been reported in the published literature in the homozygous or compound heterozygous state in individuals with beta thalassemia major or beta thalassemia major (PMID: 6316272 (1983), 2393712 (1990), 9163586 (1997), 2458145 (1998), 22271886 (2012), 34258108 (2021)). This variant is commonly seen in Sardinian and Bulgarian populations (PMID: 2200762 (1990), 1734721 (1992)). The frequency of this variant in the general population (Genome Aggregation Database) is consistent with pathogenicity. Based on the available information, this variant is classified as pathogenic.

ARUP Laboratories, Molecular Genetics and Genomics, ARUP Laboratories
Classification: Pathogenic. Last evaluated: 2025-07-24. Review status: criteria provided, single submitter. Criteria: ARUP Molecular Germline Variant Investigation Process 2024. Collection method: clinical testing. Allele origin: germline.
Comment: The HBB c.20delA; p.Glu7fs variant (also known as Glu6fs when numbered from the mature protein or as Codon 6 (-A), rs63749819, HbVar ID: 784) has been reported in multiple individuals with beta(0) thalassemia (Bouhass 1990, Gonzalez-Redondo 1988, Kazazian 1983, Rosatelli 1992, HbVar database and references therein). This variant is found in the general population with an overall allele frequency of 0.002% (4/251184 alleles) in the Genome Aggregation Database. This variant causes a frameshift by deleting a single nucleotide, so it is predicted to result in a truncated protein or mRNA subject to nonsense-mediated decay. Based on available information, this variant is considered to be pathogenic. References: Link to HbVar database for Codon 6 (-A): Bouhass R et al. A new mutation at IVS1 nt 2(T----A), in beta-thalassemia from Algeria. Blood. 1990; 76(5):1054-5. PMID: 2393712. Kazazian HH Jr et al. beta-Thalassemia due to a deletion of the nucleotide which is substituted in the beta S-globin gene. Am J Hum Genet. 1983; 35(5):1028-33. PMID: 6310991. Gonzalez-Redondo J et al. Clinical and genetic heterogeneity in black patients with homozygous beta-thalassemia from the southeastern United States. Blood. 1988; 72(3):1007-14. PMID: 2458145. Rosatelli M et al. Molecular characterization of beta-thalassemia in the Sardinian population. Am J Hum Genet. 1992; 50(2):422-6. PMID: 1734721.

Fulgent Genetics
Classification: Pathogenic for Heinz body anemia; Hereditary persistence of fetal hemoglobin; Dominant beta-thalassemia; Hb SS disease; Malaria, susceptibility to; Beta-thalassemia HBB/LCRB; METHEMOGLOBINEMIA, BETA TYPE; Erythrocytosis, familial, 6. Last evaluated: 2024-05-19. Review status: criteria provided, single submitter. Criteria: ACMG Guidelines, 2015. Collection method: clinical testing. Allele origin: germline.

Laboratory of Medical Genetics, National & Kapodistrian University of Athens
Classification: Pathogenic for Beta-thalassemia HBB/LCRB. Last evaluated: 2024-02-01. Review status: criteria provided, single submitter. Criteria: ACMG Guidelines, 2015. Collection method: curation. Allele origin: germline. Affected: no.

Labcorp Genetics (formerly Invitae), Labcorp
Classification: Pathogenic. Last evaluated: 2024-01-16. Review status: criteria provided, single submitter. Criteria: Invitae Variant Classification Sherloc (09022015). Collection method: clinical testing. Allele origin: germline.
Comment: This sequence change creates a premature translational stop signal (p.Glu7Glyfs*13) in the HBB gene. It is expected to result in an absent or disrupted protein product. Loss-of-function variants in HBB are known to be pathogenic (PMID: 23637309). This variant is present in population databases (rs63749819, gnomAD 0.007%). This premature translational stop signal has been observed in individual(s) with β-thalassemia (PMID: 6310991). This variant is also known as deletion of A in codon 6 of the beta gene. ClinVar contains an entry for this variant (Variation ID: 15418). For these reasons, this variant has been classified as Pathogenic.

NM_000518.5(HBB):c.20del (p.Glu7fs)

Genes: HBB (hemoglobin subunit beta; minus strand), LOC106099062 (HBB recombination region; plus strand), LOC107133510 (origin of replication at HBB; plus strand). Cytogenetic location: 11p15.4.
Variant type: Deletion.
Coding change: c.20del on transcript NM_000518.5 (MANE Select); coding-DNA position 20, one base deleted (A; older notation c.20delA).
Protein change: p.Glu7fs; shifts the reading frame from glutamic acid 7.
Molecular consequence: frameshift variant.
Genome position (GRCh38, 1-based): chr11:5,227,002, T deleted on the plus strand (A on the coding strand, the reverse complement: HBB is on the minus strand). VCF-style (leftmost placement, unchanged base first): chr11-5227001-CT-C. GRCh37 (hg19) VCF-style: chr11-5248231-CT-C.
Other names: CD 6 -A; CD-6; p.Glu7ValfsTer28; c.20delA (NM_000518.5); c.20del (NM_000518.4); short protein forms E7fs.
Identifiers: ClinVar variation 15418 (VCV000015418.141), dbSNP rs63749819, ClinGen allele CA125285.